The following is an entry in ClinVar:

NM_007118.4(TRIO):c.1854+3A>C

Gene: TRIO (trio Rho guanine nucleotide exchange factor; plus strand). Cytogenetic location: 5p15.2.
Variant type: single nucleotide variant.
Coding change: c.1854+3A>C on transcript NM_007118.4 (MANE Select); 3 bases into the intron after coding-DNA position 1854, A replaced by C.
Molecular consequence: intron variant.
Genome position (GRCh38, 1-based): chr5:14,330,903, A>C. VCF-style: chr5-14330903-A-C. GRCh37 (hg19) VCF-style: chr5-14331012-A-C.
Identifiers: ClinVar variation 3364258 (VCV003364258.4).

ClinVar aggregate classification (germline): Uncertain significance. Review status: criteria provided, multiple submitters, no conflicts (2 of 4 stars). 2 submissions from 2 submitters: Uncertain significance (2). Last evaluated 2024-11-27.

gnomAD v4.1: 5 of 1,613,854 alleles (0.00031%); highest among the groups gnomAD compares: East Asian, 0.0022%; no homozygotes.

Submissions (3):

Labcorp Genetics (formerly Invitae), Labcorp
Classification: Uncertain significance. Last evaluated: 2024-11-27. Review status: criteria provided, single submitter. Criteria: Invitae Variant Classification Sherloc (09022015). Collection method: clinical testing. Allele origin: germline.
Comment: This sequence change falls in intron 10 of the TRIO gene. It does not directly change the encoded amino acid sequence of the TRIO protein. It affects a nucleotide within the consensus splice site. This variant is not present in population databases (gnomAD no frequency). This variant has not been reported in the literature in individuals affected with TRIO-related conditions. Variants that disrupt the consensus splice site are a relatively common cause of aberrant splicing (PMID: 17576681, 9536098). Algorithms developed to predict the effect of sequence changes on RNA splicing suggest that this variant may disrupt the consensus splice site. In summary, the available evidence is currently insufficient to determine the role of this variant in disease. Therefore, it has been classified as a Variant of Uncertain Significance.

GeneDx
Classification: Uncertain significance. Last evaluated: 2023-11-09. Review status: criteria provided, single submitter. Criteria: GeneDx Variant Classification Process June 2021. Collection method: clinical testing. Allele origin: germline. Affected: yes.
Comment: Not observed at significant frequency in large population cohorts (gnomAD); In silico analysis supports a deleterious effect on splicing; Has not been previously published as pathogenic or benign to our knowledge

Dr. Peter K. Rogan Lab, Western University
No classification provided (evidence only). Condition: Cervical cancer. Review status: no classification provided. Collection method: in vitro. Allele origin: not applicable. Functional consequence: retained intron. Not counted in ClinVar's aggregate classification.

Literature cited by the submitters: PubMed 17576681 (cited by Labcorp Genetics (formerly Invitae), Labcorp); PubMed 9536098 (cited by Labcorp Genetics (formerly Invitae), Labcorp).